The following is an entry in ClinVar:

NM_002439.5(MSH3):c.3034C>T (p.Pro1012Ser)

Gene: MSH3 (mutS homolog 3; plus strand). Cytogenetic location: 5q14.1.
Variant type: single nucleotide variant.
Coding change: c.3034C>T on transcript NM_002439.5 (MANE Select); coding-DNA position 3034, C replaced by T.
Protein change: p.Pro1012Ser; replaces proline 1012 with serine.
Molecular consequence: missense variant.
Genome position (GRCh38, 1-based): chr5:80,864,846, C>T. VCF-style: chr5-80864846-C-T. GRCh37 (hg19) VCF-style: chr5-80160665-C-T.
Other names: c.3034C>T (NM_002439.3); short protein forms P1012S.
Identifiers: ClinVar variation 1389679 (VCV001389679.9), dbSNP rs2112118387, ClinGen allele CA360346162.
Genomic context (GRCh38, chr5:80,864,846, plus strand): 5'-AACATTTATTCTGTCTTATTGCTTTAGGTGAAATCCTTAACCCTGTTTGTCACCCATTAT[C>T]CGCCAGTTTGTGAACTAGAAAAAAATTACTCACACCAGGTGGGGAATTACCACATGGGAT-3'
Protein context (NP_002430.3, residues 1002-1022): KSLTLFVTHY[Pro1012Ser]PVCELEKNYS

ClinVar aggregate classification (germline): Uncertain significance. Review status: criteria provided, multiple submitters, no conflicts (2 of 4 stars). 2 submissions from 2 submitters: Uncertain significance (2). Last evaluated 2024-05-09.

Conditions:
Hereditary cancer-predisposing syndrome. Also called: Neoplastic Syndromes, Hereditary; Tumor predisposition; Hereditary neoplastic syndrome; Hereditary Cancer Syndrome. Identifiers: Orphanet 140162, MedGen C0027672, MeSH D009386, MONDO:0015356.

Allele frequency attached by ClinVar (database versions not stated): gnomAD exomes below 0.00001.
gnomAD v4.1: 1 of 1,612,854 alleles (0.000062%); highest among the groups gnomAD compares: Non-Finnish European, 0.000085%; no homozygotes.

Submissions (2):

Labcorp Genetics (formerly Invitae), Labcorp
Classification: Uncertain significance. Last evaluated: 2024-05-09. Review status: criteria provided, single submitter. Criteria: Invitae Variant Classification Sherloc (09022015). Collection method: clinical testing. Allele origin: germline.
Comment: This sequence change replaces proline, which is neutral and non-polar, with serine, which is neutral and polar, at codon 1012 of the MSH3 protein (p.Pro1012Ser). This variant is not present in population databases (gnomAD no frequency). This variant has not been reported in the literature in individuals affected with MSH3-related conditions. ClinVar contains an entry for this variant (Variation ID: 1389679). An algorithm developed to predict the effect of missense changes on protein structure and function (PolyPhen-2) suggests that this variant is likely to be disruptive. In summary, the available evidence is currently insufficient to determine the role of this variant in disease. Therefore, it has been classified as a Variant of Uncertain Significance.

Ambry Genetics
Classification: Uncertain significance for Hereditary cancer-predisposing syndrome. Last evaluated: 2024-04-12. Review status: criteria provided, single submitter. Criteria: Ambry Variant Classification Scheme 2023. Collection method: clinical testing. Allele origin: germline.
Comment: The p.P1012S variant (also known as c.3034C>T), located in coding exon 22 of the MSH3 gene, results from a C to T substitution at nucleotide position 3034. The proline at codon 1012 is replaced by serine, an amino acid with similar properties. This amino acid position is conserved. In addition, the in silico prediction for this alteration is inconclusive. Based on the available evidence, the clinical significance of this variant remains unclear.